The following is an entry in ClinVar:

NM_030665.4(RAI1):c.3941T>C (p.Met1314Thr)

Gene: RAI1 (retinoic acid induced 1; plus strand). Cytogenetic location: 17p11.2.
Variant type: single nucleotide variant.
Coding change: c.3941T>C on transcript NM_030665.4 (MANE Select); coding-DNA position 3941, T replaced by C.
Protein change: p.Met1314Thr; replaces methionine 1314 with threonine.
Molecular consequence: missense variant.
Genome position (GRCh38, 1-based): chr17:17,796,889, T>C. VCF-style: chr17-17796889-T-C. GRCh37 (hg19) VCF-style: chr17-17700203-T-C.
Other names: c.3941T>C (NM_030665.3); short protein forms M1314T.
Identifiers: ClinVar variation 2872001 (VCV002872001.4), dbSNP rs2032280481, ClinGen allele CA398555378.

ClinVar aggregate classification (germline): Benign. Review status: criteria provided, single submitter (1 of 4 stars). 2 submissions from 2 submitters: Benign (1). 1 of the submissions does not count toward it. Last evaluated 2025-04-17.

Conditions:
RAI1-related disorder. Also called: RAI1-related condition.

Allele frequency attached by ClinVar (database versions not stated): gnomAD exomes below 0.00001; gnomAD 0.00001.

Submissions (2):

Labcorp Genetics (formerly Invitae), Labcorp
Classification: Benign. Last evaluated: 2025-04-17. Review status: criteria provided, single submitter. Criteria: Invitae Variant Classification Sherloc (09022015). Collection method: clinical testing. Allele origin: germline.

PreventionGenetics, part of Exact Sciences
Classification: Uncertain significance for RAI1-related condition. Last evaluated: 2024-08-27. Review status: no assertion criteria provided. Collection method: clinical testing. Allele origin: germline. Not counted in ClinVar's aggregate classification.
Comment: The RAI1 c.3941T>C variant is predicted to result in the amino acid substitution p.Met1314Thr. To our knowledge, this variant has not been reported in the literature or in a large population database, indicating this variant is rare. This variant could be benign. At this time, the clinical significance of this variant is uncertain due to the absence of conclusive functional and genetic evidence.